The following is an entry in ClinVar:

ClinVar aggregate classification (germline): Pathogenic (1 of 4 stars; one submission).

Conditions:
Hyper-IgE recurrent infection syndrome 3, autosomal recessive. Also called: Autosomal recessive hyper-IgE syndrome due to ZNF341 deficiency; HYPER-IgE SYNDROME 3, AUTOSOMAL RECESSIVE, WITH RECURRENT INFECTIONS. Identifiers: Orphanet 641368, MedGen C4748969, MONDO:0032654, OMIM 618282.

Submission:

Labcorp Genetics (formerly Invitae), Labcorp
Classification: Pathogenic for Combined immunodeficiency due to DOCK8 deficiency. Last evaluated: 2023-11-10. Review status: criteria provided, single submitter. Criteria: Invitae Variant Classification Sherloc (09022015). Collection method: clinical testing. Allele origin: germline.
Comment: This variant is a gross deletion of the genomic region encompassing exon(s) 11 of the DOCK8 gene. This deletion is out-of-frame, and is expected to create a premature termination codon and result in an absent or disrupted protein product. Loss-of-function variants in DOCK8 are known to be pathogenic (PMID: 14722525, 19776401). A similar copy number variant has been observed in individual(s) with hyper-IgE syndrome (HIES) (PMID: 24673638). For these reasons, this variant has been classified as Pathogenic.

Literature cited by the submitters: PubMed 14722525; PubMed 19776401; PubMed 24673638.

NC_000009.11:g.(?_334205)_(334404_?)del

Gene: DOCK8 (dedicator of cytokinesis 8; plus strand). Cytogenetic location: 9p24.3.
Variant type: Deletion.
Identifiers: ClinVar variation 2427690 (VCV002427690.8).